The following is an entry in ClinVar:

NM_181882.3(PRX):c.4050del (p.Ser1351fs)

Gene: PRX (periaxin; minus strand). Cytogenetic location: 19q13.2.
Variant type: Deletion.
Coding change: c.4050del on transcript NM_181882.3 (MANE Select); coding-DNA position 4050, one base deleted (C; older notation c.4050delC).
Protein change: p.Ser1351fs; shifts the reading frame from serine 1351.
Molecular consequence: frameshift variant. On other transcripts: 3 prime UTR variant (1).
Genome position (GRCh38, 1-based): chr19:40,394,302, G deleted on the plus strand (C on the coding strand, the reverse complement: PRX is on the minus strand); the first of 5 consecutive G bases (chr19:40,394,302-40,394,306); deleting any one gives the same sequence. VCF-style (leftmost placement, unchanged base first): chr19-40394301-TG-T. GRCh37 (hg19) VCF-style: chr19-40900208-TG-T.
Other names: c.*4255del (NM_020956.2); c.4050delC (NM_181882.3); short protein forms S1351fs.
Identifiers: ClinVar variation 915380 (VCV000915380.9), dbSNP rs766124869, ClinGen allele CA9443714.

ClinVar aggregate classification (germline): Conflicting classifications of pathogenicity. Review status: criteria provided, conflicting classifications (1 of 4 stars). 2 submissions from 2 submitters: Pathogenic (1); Uncertain significance (1). Last evaluated 2020-05-03.

Conditions:
Charcot-Marie-Tooth disease type 4. Also called: Charcot-Marie-Tooth disease, type IV; Charcot-Marie-Tooth, Type 4. Identifiers: Orphanet 64749, MedGen C4082197, MONDO:0018995.

Submissions (2):

Genomic Research Center, Shahid Beheshti University of Medical Sciences
Classification: Pathogenic. Last evaluated: 2020-05-03. Review status: criteria provided, single submitter. Criteria: ACMG Guidelines, 2015. Collection method: clinical testing. Allele origin: unknown. Affected: yes.

Labcorp Genetics (formerly Invitae), Labcorp
Classification: Uncertain significance for Charcot-Marie-Tooth disease type 4. Last evaluated: 2019-09-13. Review status: criteria provided, single submitter. Criteria: Invitae Variant Classification Sherloc (09022015). Collection method: clinical testing. Allele origin: germline.
Comment: This sequence change results in a premature translational stop signal in the PRX gene (p.Ser1351Alafs*31). While this is not anticipated to result in nonsense mediated decay, it is expected to disrupt the last 111 amino acids of the PRX protein. The frequency data for this variant in the population databases is considered unreliable, as metrics indicate poor data quality at this position in the ExAC database. This variant has not been reported in the literature in individuals with PRX-related conditions. In summary, the available evidence is currently insufficient to determine the role of this variant in disease. Therefore, it has been classified as a Variant of Uncertain Significance.